The following is an entry in ClinVar:

ClinVar aggregate classification (germline): Benign/Likely benign. Review status: criteria provided, multiple submitters, no conflicts (2 of 4 stars). 2 submissions from 2 submitters: Benign (1); Likely benign (1). Last evaluated 2018-01-13.

Conditions:
Catecholaminergic polymorphic ventricular tachycardia 2. Also called: VENTRICULAR TACHYCARDIA, STRESS-INDUCED POLYMORPHIC 2; CASQ2-Related Catecholaminergic Polymorphic Ventricular Tachycardia. Identifiers: Orphanet 3286, MedGen C2677794, MONDO:0012762, OMIM 611938.

Allele frequency attached by ClinVar (database versions not stated): gnomAD exomes 0.60281; gnomAD 0.63558 and 0.63705; TOPMed 0.64597; 1000 Genomes Project 0.70088; 1000 Genomes Project 30x 0.70237.
gnomAD v4.1: 254,902 of 413,770 alleles (62%); highest among the groups gnomAD compares: African/African-American, 72%; 79,849 homozygotes.

Submissions (2):

Illumina Laboratory Services, Illumina
Classification: Benign for Catecholaminergic polymorphic ventricular tachycardia 2. Last evaluated: 2018-01-13. Review status: criteria provided, single submitter. Criteria: ICSL Variant Classification Criteria 13 December 2019. Collection method: clinical testing. Allele origin: germline.
Comment: This variant was observed in the ICSL laboratory as part of a predisposition screen in an ostensibly healthy population. It had not been previously curated by ICSL or reported in the Human Gene Mutation Database (HGMD: prior to June 1st, 2018), and was therefore a candidate for classification through an automated scoring system. Utilizing variant allele frequency, disease prevalence and penetrance estimates, and inheritance mode, an automated score was calculated to assess if this variant is too frequent to cause the disease. Based on the score and internal cut-off values, a variant classified as benign is not then subjected to further curation. The score for this variant resulted in a classification of benign for this disease.

Breakthrough Genomics
Classification: Likely benign. Review status: criteria provided, single submitter. Criteria: ACMG Guidelines, 2015. Collection method: not provided. Allele origin: germline. Inheritance: Autosomal recessive inheritance. Affected: yes.

NM_001232.4(CASQ2):c.*482C>T

Gene: CASQ2 (calsequestrin 2; minus strand). Cytogenetic location: 1p13.1.
Variant type: single nucleotide variant.
Coding change: c.*482C>T on transcript NM_001232.4 (MANE Select); 482 bases downstream of the stop codon, C replaced by T.
Molecular consequence: 3 prime UTR variant.
Genome position (GRCh38, 1-based): chr1:115,700,759, G>A on the plus strand (C>T on the coding strand, the complement: CASQ2 is on the minus strand). VCF-style: chr1-115700759-G-A. GRCh37 (hg19) VCF-style: chr1-116243380-G-A.
Identifiers: ClinVar variation 292122 (VCV000292122.9), dbSNP rs7521023, ClinGen allele CA10607596.
Genomic context (GRCh38, chr1:115,700,759, plus strand): 5'-AATATGATTTATAAGTTTGCTTCCAAGGCTGAGCCTTCTCTAAGAAGGATCATCTTGGCT[G>A]GAGGAGGGATCCCAACTGATGTTCGAGGTATGGAGGGAGCTAAATCATTAATCATGTGTC-3'